The following is an entry in ClinVar:

NM_018418.5(SPATA7):c.556G>A (p.Ala186Thr)

Gene: SPATA7 (spermatogenesis associated 7; plus strand). Cytogenetic location: 14q31.3.
Variant type: single nucleotide variant.
Coding change: c.556G>A on transcript NM_018418.5 (MANE Select); coding-DNA position 556, G replaced by A.
Protein change: p.Ala186Thr; replaces alanine 186 with threonine.
Molecular consequence: missense variant.
Genome position (GRCh38, 1-based): chr14:88,426,415, G>A. VCF-style: chr14-88426415-G-A. GRCh37 (hg19) VCF-style: chr14-88892759-G-A.
Other names: c.460G>A, p.Ala154Thr (NM_001040428.4); short protein forms A154T, A186T.
Identifiers: ClinVar variation 1062802 (VCV001062802.9), dbSNP rs2139996019, ClinGen allele CA390562953.

ClinVar aggregate classification (germline): Uncertain significance (1 of 4 stars; one submission).

Conditions:
Leber congenital amaurosis 3 (LCA3). Also called: SPATA7-Related Retinitis Pigmentosa. Identifiers: MedGen C1858677, MONDO:0011415, OMIM 604232.

Submission:

Labcorp Genetics (formerly Invitae), Labcorp
Classification: Uncertain significance for Leber congenital amaurosis 3. Last evaluated: 2020-09-11. Review status: criteria provided, single submitter. Criteria: Invitae Variant Classification Sherloc (09022015). Collection method: clinical testing. Allele origin: germline.
Comment: In summary, the available evidence is currently insufficient to determine the role of this variant in disease. Therefore, it has been classified as a Variant of Uncertain Significance. Algorithms developed to predict the effect of missense changes on protein structure and function output the following: SIFT: "Tolerated"; PolyPhen-2: "Benign"; Align-GVGD: "Class C0". The threonine amino acid residue is found in multiple mammalian species, suggesting that this missense change does not adversely affect protein function. These predictions have not been confirmed by published functional studies and their clinical significance is uncertain. This variant has not been reported in the literature in individuals with SPATA7-related conditions. This variant is not present in population databases (ExAC no frequency). This sequence change replaces alanine with threonine at codon 186 of the SPATA7 protein (p.Ala186Thr). The alanine residue is weakly conserved and there is a small physicochemical difference between alanine and threonine.